The following is an entry in ClinVar:

ClinVar aggregate classification (germline): Likely pathogenic (1 of 4 stars; one submission).

Allele frequency attached by ClinVar (database versions not stated): TOPMed below 0.00001.

Submission:

Labcorp Genetics (formerly Invitae), Labcorp
Classification: Likely pathogenic. Last evaluated: 2020-06-24. Review status: criteria provided, single submitter. Criteria: Invitae Variant Classification Sherloc (09022015). Collection method: clinical testing. Allele origin: germline.
Comment: In summary, the currently available evidence indicates that the variant is pathogenic, but additional data are needed to prove that conclusively. Therefore, this variant has been classified as Likely Pathogenic. Donor and acceptor splice site variants typically lead to a loss of protein function (PMID: 16199547), and loss-of-function variants in GFM1 are known to be pathogenic (PMID: 16632485, 17160893). Algorithms developed to predict the effect of sequence changes on RNA splicing suggest that this variant may disrupt the consensus splice site, but this prediction has not been confirmed by published transcriptional studies. This variant has not been reported in the literature in individuals with GFM1-related conditions. This variant is not present in population databases (ExAC no frequency). This sequence change affects an acceptor splice site in intron 1 of the GFM1 gene. It is expected to disrupt RNA splicing and likely results in an absent or disrupted protein product.

Literature cited by the submitters: PubMed 16199547; PubMed 16632485; PubMed 17160893.

NM_024996.7(GFM1):c.82-2A>C

Gene: GFM1 (G elongation factor mitochondrial 1; plus strand). Cytogenetic location: 3q25.32.
Variant type: single nucleotide variant.
Coding change: c.82-2A>C on transcript NM_024996.7 (MANE Select); the canonical splice acceptor site of the intron before coding-DNA position 82, A replaced by C.
Molecular consequence: splice acceptor variant.
Genome position (GRCh38, 1-based): chr3:158,645,627, A>C. VCF-style: chr3-158645627-A-C. GRCh37 (hg19) VCF-style: chr3-158363416-A-C.
Other names: c.82-2A>C (NM_001308164.2, NM_001374355.1, NM_001374356.1 and 2 more transcripts); c.-144-2A>C (NM_001374357.1); c.-148-2A>C (NM_001374359.1, NM_001374360.1, NM_001374361.1).
Identifiers: ClinVar variation 1066761 (VCV001066761.8), dbSNP rs1721712075, ClinGen allele CA355175079.